The following is an entry in ClinVar:

NM_000179.3(MSH6):c.1072G>C (p.Asp358His)

Gene: MSH6 (mutS homolog 6; plus strand). Cytogenetic location: 2p16.3.
Variant type: single nucleotide variant.
Coding change: c.1072G>C on transcript NM_000179.3 (MANE Select); coding-DNA position 1072, G replaced by C.
Protein change: p.Asp358His; replaces aspartic acid 358 with histidine.
Molecular consequence: missense variant.
Genome position (GRCh38, 1-based): chr2:47,799,055, G>C. VCF-style: chr2-47799055-G-C. GRCh37 (hg19) VCF-style: chr2-48026194-G-C.
Other names: c.682G>C, p.Asp228His (NM_001281492.2); c.166G>C, p.Asp56His (NM_001281493.2, NM_001281494.2); short protein forms D358H, D56H, D228H.
Identifiers: ClinVar variation 489957 (VCV000489957.14), dbSNP rs772747395, ClinGen allele CA067116.

ClinVar aggregate classification (germline): Uncertain significance. Review status: criteria provided, multiple submitters, no conflicts (2 of 4 stars). 3 submissions from 3 submitters: Uncertain significance (3). Last evaluated 2024-03-11.

Conditions:
Hereditary cancer-predisposing syndrome. Also called: Hereditary Cancer Syndrome; Neoplastic Syndromes, Hereditary; Tumor predisposition; Hereditary neoplastic syndrome. Identifiers: Orphanet 140162, MedGen C0027672, MeSH D009386, MONDO:0015356.
Hereditary nonpolyposis colorectal neoplasms. Identifiers: MedGen C0009405, MeSH D003123.

Allele frequency attached by ClinVar (database versions not stated): gnomAD exomes below 0.00001; ExAC 0.00001.

Submissions (3):

Ambry Genetics
Classification: Uncertain significance for Hereditary cancer-predisposing syndrome. Last evaluated: 2024-03-11. Review status: criteria provided, single submitter. Criteria: Ambry Variant Classification Scheme 2023. Collection method: clinical testing. Allele origin: germline.
Comment: The p.D358H variant (also known as c.1072G>C), located in coding exon 4 of the MSH6 gene, results from a G to C substitution at nucleotide position 1072. The aspartic acid at codon 358 is replaced by histidine, an amino acid with similar properties. This amino acid position is well conserved in available vertebrate species. In addition, the in silico prediction for this alteration is inconclusive. Since supporting evidence is limited at this time, the clinical significance of this alteration remains unclear.

Labcorp Genetics (formerly Invitae), Labcorp
Classification: Uncertain significance for Hereditary nonpolyposis colorectal neoplasms. Last evaluated: 2022-01-23. Review status: criteria provided, single submitter. Criteria: Invitae Variant Classification Sherloc (09022015). Collection method: clinical testing. Allele origin: germline.
Comment: In summary, the available evidence is currently insufficient to determine the role of this variant in disease. Therefore, it has been classified as a Variant of Uncertain Significance. Advanced modeling of protein sequence and biophysical properties (such as structural, functional, and spatial information, amino acid conservation, physicochemical variation, residue mobility, and thermodynamic stability) performed at Invitae indicates that this missense variant is not expected to disrupt MSH6 protein function. ClinVar contains an entry for this variant (Variation ID: 489957). This variant has not been reported in the literature in individuals affected with MSH6-related conditions. This variant is present in population databases (rs772747395, gnomAD 0.006%). This sequence change replaces aspartic acid, which is acidic and polar, with histidine, which is basic and polar, at codon 358 of the MSH6 protein (p.Asp358His).

Color Diagnostics, LLC DBA Color Health
Classification: Uncertain significance for Hereditary cancer-predisposing syndrome. Last evaluated: 2018-12-29. Review status: criteria provided, single submitter. Criteria: ACMG Guidelines, 2015. Collection method: clinical testing. Allele origin: germline.